The following is an entry in ClinVar:

ClinVar aggregate classification (germline): Uncertain significance (1 of 4 stars; one submission).

Conditions:
FGFR1-related disorder. Also called: FGFR1-related disorders; FGFR1-related condition. Identifiers: MedGen CN380097.

Submission:

PreventionGenetics, part of Exact Sciences
Classification: Uncertain significance for FGFR1-related condition. Last evaluated: 2026-01-16. Review status: criteria provided, single submitter. Criteria: ACMG Guidelines, 2015. Collection method: clinical testing. Allele origin: germline.
Comment: The FGFR1 c.763C>T variant is predicted to result in the amino acid substitution p.Pro255Ser. To our knowledge, this variant has not been reported in the literature or in a large population database (gnomAD), indicating this variant is rare. At this time, the clinical significance of this variant is uncertain due to the absence of conclusive functional and genetic evidence.

NM_023110.3(FGFR1):c.763C>T (p.Pro255Ser)

Gene: FGFR1 (fibroblast growth factor receptor 1; minus strand). Cytogenetic location: 8p11.23.
Variant type: single nucleotide variant.
Coding change: c.763C>T on transcript NM_023110.3 (MANE Select); coding-DNA position 763, C replaced by T.
Protein change: p.Pro255Ser; replaces proline 255 with serine.
Molecular consequence: missense variant.
Genome position (GRCh38, 1-based): chr8:38,424,682, G>A on the plus strand (C>T on the coding strand, the complement: FGFR1 is on the minus strand). VCF-style: chr8-38424682-G-A. GRCh37 (hg19) VCF-style: chr8-38282200-G-A.
Other names: c.763C>T, p.Pro255Ser (NM_001174063.2); c.739C>T, p.Pro247Ser (NM_001174064.2); c.757C>T, p.Pro253Ser (NM_001174065.2, NM_001354367.2, NM_001354369.2 and 2 more transcripts); c.496C>T, p.Pro166Ser (NM_001174066.2, NM_023105.3); c.856C>T, p.Pro286Ser (NM_001174067.2); c.490C>T, p.Pro164Ser (NM_001354368.2, NM_001354370.2, NM_023106.3); short protein forms P255S, P247S, P253S, P286S, P164S, P166S.
Identifiers: ClinVar variation 4993511 (VCV004993511.1).